The following is an entry in ClinVar:

ClinVar aggregate classification (germline): Uncertain significance (1 of 4 stars; one submission).

Conditions:
Fanconi anemia (FA). Also called: Fanconi's anemia. Identifiers: Orphanet 84, MedGen C0015625, MeSH D005199, MONDO:0019391.

gnomAD v4.1: 3 of 1,614,186 alleles (0.00019%); highest among the groups gnomAD compares: South Asian, 0.0022%; no homozygotes.

Submission:

Labcorp Genetics (formerly Invitae), Labcorp
Classification: Uncertain significance for Fanconi anemia. Last evaluated: 2025-05-18. Review status: criteria provided, single submitter. Criteria: Invitae Variant Classification Sherloc (09022015). Collection method: clinical testing. Allele origin: germline.
Comment: This sequence change replaces arginine, which is basic and polar, with lysine, which is basic and polar, at codon 1680 of the SLX4 protein (p.Arg1680Lys). This variant is present in population databases (no rsID available, gnomAD 0.006%). This variant has not been reported in the literature in individuals affected with SLX4-related conditions. ClinVar contains an entry for this variant (Variation ID: 2906850). An algorithm developed to predict the effect of missense changes on protein structure and function outputs the following: PolyPhen-2: "Benign". The lysine amino acid residue is found in multiple mammalian species, which suggests that this missense change does not adversely affect protein function. In summary, the available evidence is currently insufficient to determine the role of this variant in disease. Therefore, it has been classified as a Variant of Uncertain Significance.

NM_032444.4(SLX4):c.5039G>A (p.Arg1680Lys)

Gene: SLX4 (SLX4 structure-specific endonuclease subunit; minus strand). Cytogenetic location: 16p13.3.
Variant type: single nucleotide variant.
Coding change: c.5039G>A on transcript NM_032444.4 (MANE Select); coding-DNA position 5039, G replaced by A.
Protein change: p.Arg1680Lys; replaces arginine 1680 with lysine.
Molecular consequence: missense variant.
Genome position (GRCh38, 1-based): chr16:3,583,211, C>T on the plus strand (G>A on the coding strand, the complement: SLX4 is on the minus strand). VCF-style: chr16-3583211-C-T. GRCh37 (hg19) VCF-style: chr16-3633212-C-T.
Other names: short protein forms R1680K.
Identifiers: ClinVar variation 2906850 (VCV002906850.3), dbSNP rs1326033235, ClinGen allele CA394514690.